The following is an entry in ClinVar:

NM_052947.4(ALPK2):c.3619G>A (p.Ala1207Thr)

Gene: ALPK2 (alpha kinase 2; minus strand). Cytogenetic location: 18q21.31.
Variant type: single nucleotide variant.
Coding change: c.3619G>A on transcript NM_052947.4 (MANE Select); coding-DNA position 3619, G replaced by A.
Protein change: p.Ala1207Thr; replaces alanine 1207 with threonine.
Molecular consequence: missense variant.
Genome position (GRCh38, 1-based): chr18:58,536,568, C>T on the plus strand (G>A on the coding strand, the complement: ALPK2 is on the minus strand). VCF-style: chr18-58536568-C-T. GRCh37 (hg19) VCF-style: chr18-56203800-C-T.
Other names: short protein forms A1207T.
Identifiers: ClinVar variation 2449315 (VCV002449315.2), dbSNP rs2518876225, ClinGen allele CA402566301.

ClinVar aggregate classification (germline): Uncertain significance (1 of 4 stars; one submission).

Allele frequency attached by ClinVar (database versions not stated): gnomAD exomes below 0.00001.
gnomAD v4.1: 6 of 1,614,010 alleles (0.00037%); highest among the groups gnomAD compares: Non-Finnish European, 0.00051%; no homozygotes.

Submission:

Ambry Genetics
Classification: Uncertain significance. Last evaluated: 2023-03-12. Review status: criteria provided, single submitter. Criteria: Ambry Variant Classification Scheme 2023. Collection method: clinical testing. Allele origin: germline.
Comment: The p.A1207T variant (also known as c.3619G>A), located in coding exon 4 of the ALPK2 gene, results from a G to A substitution at nucleotide position 3619. The alanine at codon 1207 is replaced by threonine, an amino acid with similar properties. This amino acid position is conserved. In addition, this alteration is predicted to be tolerated by in silico analysis. Since supporting evidence is limited at this time, the clinical significance of this alteration remains unclear.